The following is an entry in ClinVar:

ClinVar aggregate classification (germline): Likely benign (1 of 4 stars; one submission).

Conditions:
Arrhythmogenic right ventricular cardiomyopathy (ARVD). Also called: Arrhythmogenic right ventricular dysplasia; Cardiomyopathy, ARVC; Arrhythmogenic cardiomyopathy; Arrhythmogenic Right Ventricular Cardiomyopathy (ARVC). Identifiers: Orphanet 247, MedGen C0349788, MeSH D019571, MONDO:0016587. Disease mechanism: loss of function. Inheritance: Various modes of inheritance.

Submission:

All of Us Research Program, National Institutes of Health
Classification: Likely benign for Arrhythmogenic right ventricular cardiomyopathy. Last evaluated: 2023-02-24. Review status: criteria provided, single submitter. Criteria: ACMG Guidelines, 2015. Collection method: clinical testing. Allele origin: germline. Inheritance: Autosomal dominant inheritance. Observed: 1 variant allele, 1 heterozygote.
Comment: This study involves interpretation of variants in research participants for the purpose of population health screening. Participant phenotype was not available at the time of variant classification. Additional details can be found in publication PMID: 35346344, PMCID: PMC8962531

NM_001943.5(DSG2):c.141A>G (p.Gln47=)

Gene: DSG2 (desmoglein 2; plus strand). Cytogenetic location: 18q12.1.
Variant type: single nucleotide variant.
Coding change: c.141A>G on transcript NM_001943.5 (MANE Select); coding-DNA position 141, A replaced by G.
Protein change: p.Gln47=; no amino-acid change (glutamine 47 retained).
Molecular consequence: synonymous variant.
Genome position (GRCh38, 1-based): chr18:31,519,862, A>G. VCF-style: chr18-31519862-A-G. GRCh37 (hg19) VCF-style: chr18-29099825-A-G.
Identifiers: ClinVar variation 3069694 (VCV003069694.1), dbSNP rs2510910335, ClinGen allele CA503596778.
Genomic context (GRCh38, chr18:31,519,862, plus strand): 5'-GGTCTTAAGCACAAGAAATGAAAATAAGCTGCTTCCTAAACATCCTCATTTAGTGCGGCA[A>G]AAGCGCGCCTGGATCACCGCCCCCGTGGCTCTTCGGGAGGGAGAGGATCTGTCCAAGAAG-3'
Protein context (NP_001934.2, residues 37-57): LLPKHPHLVR[Gln47=]KRAWITAPVA